The following is an entry in ClinVar:

ClinVar aggregate classification (germline): Benign (1 of 4 stars; one submission).

Conditions:
Papillary renal cell carcinoma type 1 (RCCP1). Also called: RENAL CELL CARCINOMA, PAPILLARY, 1, SOMATIC; Renal adenocarcinoma; Renal cell carcinoma 1; Renal cell carcinoma, somatic. Identifiers: Orphanet 47044, MedGen C1336839, OMIM 605074, HP:0011797.

Submission:

Myriad Genetics, Inc.
Classification: Benign for Papillary renal cell carcinoma type 1. Last evaluated: 2024-11-12. Review status: criteria provided, single submitter. Criteria: Myriad Autosomal Dominant, Autosomal Recessive and X-Linked Classification Criteria (2023). Collection method: clinical testing. Allele origin: unknown.
Comment: This variant is considered benign. This variant is a silent/synonymous amino acid change and it is not expected to impact splicing.

NM_000245.4(MET):c.2698C>T (p.Leu900=)

Gene: MET (MET proto-oncogene, receptor tyrosine kinase; plus strand). Cytogenetic location: 7q31.2.
Variant type: single nucleotide variant.
Coding change: c.2698C>T on transcript NM_000245.4 (MANE Select); coding-DNA position 2698, C replaced by T.
Protein change: p.Leu900=; no amino-acid change (leucine 900 retained).
Molecular consequence: synonymous variant.
Genome position (GRCh38, 1-based): chr7:116,769,759, C>T. VCF-style: chr7-116769759-C-T. GRCh37 (hg19) VCF-style: chr7-116409813-C-T.
Other names: c.2752C>T, p.Leu918= (NM_001127500.3); c.2698C>T, p.Leu900= (NM_001324401.3); c.1408C>T, p.Leu470= (NM_001324402.2).
Identifiers: ClinVar variation 3773485 (VCV003773485.1).
Genomic context (GRCh38, chr7:116,769,759, plus strand): 5'-AAGAGCTGTGAGAATATACACTTACATTCTGAAGCCGTTTTATGCACGGTCCCCAATGAC[C>T]TGCTGAAATTGAACAGCGAGCTAAATATAGAGGTGGGATTCCTGCATTCCTCTCATGATG-3'
Protein context (NP_000236.2, residues 890-910): EAVLCTVPND[Leu900=]LKLNSELNIE